The following is an entry in ClinVar:

ClinVar aggregate classification (germline): Uncertain significance (1 of 4 stars; one submission).

Allele frequency attached by ClinVar (database versions not stated): ExAC 0.00001; gnomAD 0.00001 and 0.00002; gnomAD exomes 0.00001; TOPMed 0.00002.
gnomAD v4.1: 21 of 1,613,320 alleles (0.0013%); highest among the groups gnomAD compares: African/African-American, 0.017%; no homozygotes.

Submission:

Labcorp Genetics (formerly Invitae), Labcorp
Classification: Uncertain significance. Last evaluated: 2024-01-19. Review status: criteria provided, single submitter. Criteria: Invitae Variant Classification Sherloc (09022015). Collection method: clinical testing. Allele origin: germline.
Comment: This sequence change replaces methionine, which is neutral and non-polar, with valine, which is neutral and non-polar, at codon 488 of the DSCAML1 protein (p.Met488Val). This variant is present in population databases (rs111787247, gnomAD 0.01%). This variant has not been reported in the literature in individuals affected with DSCAML1-related conditions. ClinVar contains an entry for this variant (Variation ID: 1515548). An algorithm developed to predict the effect of missense changes on protein structure and function (PolyPhen-2) suggests that this variant is likely to be tolerated. In summary, the available evidence is currently insufficient to determine the role of this variant in disease. Therefore, it has been classified as a Variant of Uncertain Significance.

NM_020693.4(DSCAML1):c.1282A>G (p.Met428Val)

Gene: DSCAML1 (DS cell adhesion molecule like 1; minus strand). Cytogenetic location: 11q23.3.
Variant type: single nucleotide variant.
Coding change: c.1282A>G on transcript NM_020693.4 (MANE Select); coding-DNA position 1282, A replaced by G.
Protein change: p.Met428Val; replaces methionine 428 with valine.
Molecular consequence: missense variant.
Genome position (GRCh38, 1-based): chr11:117,518,694, T>C on the plus strand (A>G on the coding strand, the complement: DSCAML1 is on the minus strand). VCF-style: chr11-117518694-T-C. GRCh37 (hg19) VCF-style: chr11-117389409-T-C.
Other names: c.1282A>G, p.Met428Val (NM_001367904.1); c.874A>G, p.Met292Val (NM_001367905.1); short protein forms M292V, M428V.
Identifiers: ClinVar variation 1515548 (VCV001515548.6), dbSNP rs111787247, ClinGen allele CA6297307.
Genomic context (GRCh38, chr11:117,518,694, plus strand): 5'-TGGGCTCATCGTCGAGGGCCCAGGTGACCGTGGGGGGCGGGGCGCCCTTGGCCGCACACA[T>C]CAGTGAGAACTGCTCCCCGGGGTTGACCACCTTCTCGCTGAAGGACGAGACGATGCGGGG-3'
Protein context (NP_065744.3, residues 418-438): VVNPGEQFSL[Met428Val]CAAKGAPPPT